The following is an entry in ClinVar:

NM_177531.6(PKHD1L1):c.2979C>A (p.Cys993Ter)

Gene: PKHD1L1 (PKHD1 like 1; plus strand). Cytogenetic location: 8q23.1.
Variant type: single nucleotide variant.
Coding change: c.2979C>A on transcript NM_177531.6 (MANE Select); coding-DNA position 2979, C replaced by A.
Protein change: p.Cys993Ter; replaces cysteine 993 with a stop codon.
Molecular consequence: nonsense.
Genome position (GRCh38, 1-based): chr8:109,427,135, C>A. VCF-style: chr8-109427135-C-A. GRCh37 (hg19) VCF-style: chr8-110439364-C-A.
Other names: short protein forms C993*.
Identifiers: ClinVar variation 4850641 (VCV004850641.1).

ClinVar aggregate classification (germline): Likely pathogenic (1 of 4 stars; one submission).

Conditions:
Autosomal recessive nonsyndromic hearing loss 124. Also called: DEAFNESS, AUTOSOMAL RECESSIVE 124. Identifiers: MedGen C5935612, MONDO:0968981, OMIM 620794.

gnomAD v4.1: 3 of 1,613,692 alleles (0.00019%); highest among the groups gnomAD compares: South Asian, 0.0022%; no homozygotes.

Submission:

First Genomix Gene Laboratory, Genetic Diagnostics Department
Classification: Likely pathogenic for Autosomal recessive nonsyndromic hearing loss 124. Last evaluated: 2025-08-04. Review status: criteria provided, single submitter. Criteria: ACMG Guidelines, 2015. Collection method: clinical testing. Allele origin: germline. Inheritance: Autosomal recessive inheritance. Affected: no. Observed: 1 variant allele.